The following is an entry in ClinVar:

NM_001277115.2(DNAH11):c.9483+2T>A

Gene: DNAH11 (dynein axonemal heavy chain 11; plus strand). Cytogenetic location: 7p15.3.
Variant type: single nucleotide variant.
Coding change: c.9483+2T>A on transcript NM_001277115.2 (MANE Select); the canonical splice donor site of the intron after coding-DNA position 9483, T replaced by A.
Molecular consequence: splice donor variant.
Genome position (GRCh38, 1-based): chr7:21,779,106, T>A. VCF-style: chr7-21779106-T-A. GRCh37 (hg19) VCF-style: chr7-21818724-T-A.
Identifiers: ClinVar variation 2585052 (VCV002585052.1), dbSNP rs2535235100, ClinGen allele CA366937866.

ClinVar aggregate classification (germline): Likely pathogenic (1 of 4 stars; one submission).

Conditions:
Primary ciliary dyskinesia 7. Also called: CILIARY DYSKINESIA, PRIMARY, 7, WITH OR WITHOUT SITUS INVERSUS. Identifiers: Orphanet 244, MedGen C2678473, MONDO:0012748, OMIM 611884.

Submission:

Neuberg Centre For Genomic Medicine, NCGM
Classification: Likely pathogenic for Primary ciliary dyskinesia 7. Review status: criteria provided, single submitter. Criteria: ACMG Guidelines, 2015. Collection method: clinical testing. Allele origin: germline. Inheritance: Autosomal recessive inheritance. Affected: yes.
Comment: The splice donor c.9483+2T>A variant has not been reported previously as a pathogenic variant nor as a benign variant, to our knowledge. The c.9483+2T>A variant is novel (not in any individuals) in gnomAD Exomes and 1000 Genomes. Loss of function variants have been previously reported to be disease causing. For these reasons, this variant has been classified as Likely Pathogenic.